The following is an entry in ClinVar:

ClinVar aggregate classification (germline): Conflicting classifications of pathogenicity. Review status: criteria provided, conflicting classifications (1 of 4 stars). 3 submissions from 3 submitters: Uncertain significance (2); Benign (1). Last evaluated 2025-08-29.

Conditions:
Basal cell nevus syndrome 1 (BCNS1). Also called: GORLIN-GOLTZ SYNDROME; MULTIPLE BASAL CELL NEVI, ODONTOGENIC KERATOCYSTS, AND SKELETAL ANOMALIES. Identifiers: MedGen CN376810, MONDO:0958174, OMIM 109400.
Hereditary cancer-predisposing syndrome. Also called: Neoplastic Syndromes, Hereditary; Hereditary Cancer Syndrome; Hereditary neoplastic syndrome; Tumor predisposition. Identifiers: Orphanet 140162, MedGen C0027672, MeSH D009386, MONDO:0015356.
Gorlin syndrome. Also called: Nevoid Basal Cell Carcinoma Syndrome; Basal cell nevus syndrome. Identifiers: Orphanet 377, MedGen C0004779, MONDO:0007187.

Allele frequency attached by ClinVar (database versions not stated): gnomAD exomes below 0.00001; TOPMed 0.00002; gnomAD 0.00003.
gnomAD v4.1: 8 of 1,598,266 alleles (0.0005%); highest among the groups gnomAD compares: African/African-American, 0.011%; no homozygotes.

Submissions (3):

Labcorp Genetics (formerly Invitae), Labcorp
Classification: Benign for Gorlin syndrome. Last evaluated: 2025-08-29. Review status: criteria provided, single submitter. Criteria: Invitae Variant Classification Sherloc (09022015). Collection method: clinical testing. Allele origin: germline.

Ambry Genetics
Classification: Uncertain significance for Hereditary cancer-predisposing syndrome. Last evaluated: 2024-11-08. Review status: criteria provided, single submitter. Criteria: Ambry Variant Classification Scheme 2023. Collection method: clinical testing. Allele origin: germline.
Comment: The p.T36R variant (also known as c.107C>G), located in coding exon 1 of the PTCH1 gene, results from a C to G substitution at nucleotide position 107. The threonine at codon 36 is replaced by arginine, an amino acid with similar properties. This amino acid position is not well conserved in available vertebrate species. In addition, this alteration is predicted to be tolerated by in silico analysis. Based on the available evidence, the clinical significance of this variant remains unclear.

St. Jude Molecular Pathology, St. Jude Children's Research Hospital
Classification: Uncertain significance for Basal cell nevus syndrome 1. Last evaluated: 2023-12-27. Review status: criteria provided, single submitter. Criteria: St. Jude Assertion Criteria 2020. Collection method: clinical testing. Allele origin: germline.
Comment: The PTCH1 c.107C>G (p.Thr36Arg) missense change is absent in gnomAD v2.1.1. The in silico tool REVEL predicts a benign effect on protein function, but to our knowledge this prediction has not been confirmed by functional studies. To our knowledge, this variant has not been reported in individuals with nevoid basal cell carcinoma syndrome. In summary, the evidence currently available is insufficient to determine the clinical significance of this variant. It has therefore been classified as of uncertain significance.

NM_000264.5(PTCH1):c.107C>G (p.Thr36Arg)

Genes: PTCH1 (patched 1; minus strand), LOC130002133 (ATAC-STARR-seq lymphoblastoid silent region 20071; plus strand). Cytogenetic location: 9q22.32.
Variant type: single nucleotide variant.
Coding change: c.107C>G on transcript NM_000264.5 (MANE Select); coding-DNA position 107, C replaced by G.
Protein change: p.Thr36Arg; replaces threonine 36 with arginine.
Molecular consequence: missense variant. On other transcripts: non-coding transcript variant (1), intron variant (3).
Genome position (GRCh38, 1-based): chr9:95,508,255, G>C on the plus strand (C>G on the coding strand, the complement: PTCH1 is on the minus strand). VCF-style: chr9-95508255-G-C. GRCh37 (hg19) VCF-style: chr9-98270537-G-C.
Other names: c.107C>G, p.Thr36Arg (NM_001354918.2); c.199-1656C>G (NM_001083603.3); c.4-1656C>G (NM_001083602.3, NM_001354919.2); short protein forms T36R.
Identifiers: ClinVar variation 847849 (VCV000847849.19), dbSNP rs1449765833, ClinGen allele CA374121414.